The following is an entry in ClinVar:

ClinVar aggregate classification (germline): Pathogenic. Review status: criteria provided, multiple submitters, no conflicts (2 of 4 stars). 3 submissions from 3 submitters: Pathogenic (3). Last evaluated 2023-12-15.

Conditions:
Familial adenomatous polyposis 4 (FAP4). Also called: MSH3-related attenuated familial adenomatous polyposis. Identifiers: Orphanet 480536, MedGen C4310719, MONDO:0044300, OMIM 617100.
Hereditary cancer-predisposing syndrome. Also called: Neoplastic Syndromes, Hereditary; Tumor predisposition; Hereditary Cancer Syndrome; Hereditary neoplastic syndrome. Identifiers: Orphanet 140162, MedGen C0027672, MeSH D009386, MONDO:0015356.

Submissions (3):

Ambry Genetics
Classification: Pathogenic for Hereditary cancer-predisposing syndrome. Last evaluated: 2023-12-15. Review status: criteria provided, single submitter. Criteria: Ambry Variant Classification Scheme 2023. Collection method: clinical testing. Allele origin: germline.
Comment: The c.1772delA pathogenic mutation, located in coding exon 13 of the MSH3 gene, results from a deletion of one nucleotide at nucleotide position 1772, causing a translational frameshift with a predicted alternate stop codon (p.N591Mfs*21). This variant is considered to be rare based on population cohorts in the Genome Aggregation Database (gnomAD). This alteration is expected to result in loss of function by premature protein truncation or nonsense-mediated mRNA decay. As such, this alteration is interpreted as a disease-causing mutation.

Labcorp Genetics (formerly Invitae), Labcorp
Classification: Pathogenic. Last evaluated: 2023-02-23. Review status: criteria provided, single submitter. Criteria: Invitae Variant Classification Sherloc (09022015). Collection method: clinical testing. Allele origin: germline.
Comment: For these reasons, this variant has been classified as Pathogenic. ClinVar contains an entry for this variant (Variation ID: 820032). This variant has not been reported in the literature in individuals affected with MSH3-related conditions. This variant is not present in population databases (gnomAD no frequency). This sequence change creates a premature translational stop signal (p.Asn591Metfs*21) in the MSH3 gene. It is expected to result in an absent or disrupted protein product. Loss-of-function variants in MSH3 are known to be pathogenic (PMID: 27476653).

Myriad Genetics, Inc.
Classification: Pathogenic for Familial adenomatous polyposis 4. Last evaluated: 2023-02-08. Review status: criteria provided, single submitter. Criteria: Myriad Autosomal Dominant, Autosomal Recessive and X-Linked Classification Criteria (2023). Collection method: clinical testing. Allele origin: unknown.
Comment: This variant is considered pathogenic. This variant creates a frameshift predicted to result in premature protein truncation.

Literature cited by the submitters: PubMed 27476653 (cited by Labcorp Genetics (formerly Invitae), Labcorp).

NM_002439.5(MSH3):c.1772del (p.Asn591fs)

Gene: MSH3 (mutS homolog 3; plus strand). Cytogenetic location: 5q14.1.
Variant type: Deletion.
Coding change: c.1772del on transcript NM_002439.5 (MANE Select); coding-DNA position 1772, one base deleted (A; older notation c.1772delA).
Protein change: p.Asn591fs; shifts the reading frame from asparagine 591.
Molecular consequence: frameshift variant.
Genome position (GRCh38, 1-based): chr5:80,761,554, A deleted; the last of 3 consecutive A bases (chr5:80,761,552-80,761,554); deleting any one gives the same sequence. VCF-style (leftmost placement, unchanged base first): chr5-80761551-TA-T. GRCh37 (hg19) VCF-style: chr5-80057370-TA-T.
Other names: short protein forms N591fs.
Identifiers: ClinVar variation 820032 (VCV000820032.8), dbSNP rs1580027407, ClinGen allele CA915943397.